The following is an entry in ClinVar:

ClinVar aggregate classification (germline): Benign (1 of 4 stars; one submission).

Conditions:
Familial cancer of breast. Also called: hereditary breast carcinoma; Hereditary breast cancer; BREAST CANCER, FAMILIAL. Identifiers: Orphanet 227535, MedGen C0346153, MONDO:0016419, OMIM 114480. Disease mechanism: loss of function.

gnomAD v4.1: 1 of 1,613,864 alleles (0.000062%); highest among the groups gnomAD compares: Non-Finnish European, 0.000085%; no homozygotes.

Submission:

Myriad Genetics, Inc.
Classification: Benign for Familial cancer of breast. Last evaluated: 2024-09-03. Review status: criteria provided, single submitter. Criteria: Myriad Autosomal Dominant, Autosomal Recessive and X-Linked Classification Criteria (2023). Collection method: clinical testing. Allele origin: unknown.
Comment: This variant is considered benign. This variant is a silent/synonymous amino acid change and it is not expected to impact splicing.

NM_032043.3(BRIP1):c.2178A>G (p.Glu726=)

Gene: BRIP1 (BRCA1 interacting DNA helicase 1; minus strand). Cytogenetic location: 17q23.2.
Variant type: single nucleotide variant.
Coding change: c.2178A>G on transcript NM_032043.3 (MANE Select); coding-DNA position 2178, A replaced by G.
Protein change: p.Glu726=; no amino-acid change (glutamic acid 726 retained).
Molecular consequence: synonymous variant.
Genome position (GRCh38, 1-based): chr17:61,744,511, T>C on the plus strand (A>G on the coding strand, the complement: BRIP1 is on the minus strand). VCF-style: chr17-61744511-T-C. GRCh37 (hg19) VCF-style: chr17-59821872-T-C.
Identifiers: ClinVar variation 3378579 (VCV003378579.1).